The following is an entry in ClinVar:

NM_001252024.2(TRPM1):c.3083C>T (p.Pro1028Leu)

Genes: TRPM1 (transient receptor potential cation channel subfamily M member 1; minus strand), TRPM1-AS1 (TRPM1 antisense RNA 1; plus strand). Cytogenetic location: 15q13.3.
Variant type: single nucleotide variant.
Coding change: c.3083C>T on transcript NM_001252024.2 (MANE Select); coding-DNA position 3083, C replaced by T.
Protein change: p.Pro1028Leu; replaces proline 1028 with leucine.
Molecular consequence: missense variant.
Genome position (GRCh38, 1-based): chr15:31,031,027, G>A on the plus strand (C>T on the coding strand, the complement: TRPM1 is on the minus strand). VCF-style: chr15-31031027-G-A. GRCh37 (hg19) VCF-style: chr15-31323230-G-A.
Other names: c.3134C>T, p.Pro1045Leu (NM_001252020.2); c.3017C>T, p.Pro1006Leu (NM_002420.6); short protein forms P1006L, P1028L, P1045L.
Identifiers: ClinVar variation 1379104 (VCV001379104.6), dbSNP rs1260540680, ClinGen allele CA391544503.

ClinVar aggregate classification (germline): Uncertain significance (1 of 4 stars; one submission).

Allele frequency attached by ClinVar (database versions not stated): TOPMed below 0.00001; gnomAD 0.00001.
gnomAD v4.1: 1 of 1,614,024 alleles (0.000062%); highest among the groups gnomAD compares: Non-Finnish European, 0.000085%; no homozygotes.

Submission:

Labcorp Genetics (formerly Invitae), Labcorp
Classification: Uncertain significance. Last evaluated: 2021-09-01. Review status: criteria provided, single submitter. Criteria: Invitae Variant Classification Sherloc (09022015). Collection method: clinical testing. Allele origin: germline.
Comment: In summary, the available evidence is currently insufficient to determine the role of this variant in disease. Therefore, it has been classified as a Variant of Uncertain Significance. Algorithms developed to predict the effect of missense changes on protein structure and function (SIFT, PolyPhen-2, Align-GVGD) all suggest that this variant is likely to be disruptive. This variant has not been reported in the literature in individuals affected with TRPM1-related conditions. This variant is not present in population databases (ExAC no frequency). This sequence change replaces proline with leucine at codon 1006 of the TRPM1 protein (p.Pro1006Leu). The proline residue is highly conserved and there is a moderate physicochemical difference between proline and leucine.